The following is an entry in ClinVar:

ClinVar aggregate classification (germline): Uncertain significance. Review status: criteria provided, single submitter (1 of 4 stars). 2 submissions from 2 submitters: Uncertain significance (1). 1 of the submissions does not count toward it. Last evaluated 2023-09-28.

Conditions:
GLDC-related disorder. Also called: GLDC-related condition.

gnomAD v4.1: 50 of 1,321,108 alleles (0.0038%); highest among the groups gnomAD compares: South Asian, 0.015%; no homozygotes.

Submissions (2):

Blueprint Genetics
Classification: Uncertain significance. Last evaluated: 2023-09-28. Review status: criteria provided, single submitter. Criteria: ACMG Guidelines, 2015. Collection method: clinical testing. Allele origin: germline.

PreventionGenetics, part of Exact Sciences
Classification: Likely benign for GLDC-related condition. Last evaluated: 2024-05-08. Review status: no assertion criteria provided. Collection method: clinical testing. Allele origin: germline. Not counted in ClinVar's aggregate classification.
Comment: This variant is classified as likely benign based on ACMG/AMP sequence variant interpretation guidelines (Richards et al. 2015 PMID: 25741868, with internal and published modifications).

NM_000170.3(GLDC):c.-1C>T

Gene: GLDC (glycine decarboxylase; minus strand). Cytogenetic location: 9p24.1.
Variant type: single nucleotide variant.
Coding change: c.-1C>T on transcript NM_000170.3 (MANE Select); 1 bases upstream of the start codon, C replaced by T.
Molecular consequence: 5 prime UTR variant.
Genome position (GRCh38, 1-based): chr9:6,645,500, G>A on the plus strand (C>T on the coding strand, the complement: GLDC is on the minus strand). VCF-style: chr9-6645500-G-A. GRCh37 (hg19) VCF-style: chr9-6645500-G-A.
Identifiers: ClinVar variation 3350817 (VCV003350817.2).